The following is an entry in ClinVar:

NM_006206.6(PDGFRA):c.2635T>C (p.Trp879Arg)

Gene: PDGFRA (platelet derived growth factor receptor alpha; plus strand). Cytogenetic location: 4q12.
Variant type: single nucleotide variant.
Coding change: c.2635T>C on transcript NM_006206.6 (MANE Select); coding-DNA position 2635, T replaced by C.
Protein change: p.Trp879Arg; replaces tryptophan 879 with arginine.
Molecular consequence: missense variant.
Genome position (GRCh38, 1-based): chr4:54,287,502, T>C. VCF-style: chr4-54287502-T-C. GRCh37 (hg19) VCF-style: chr4-55153669-T-C.
Other names: c.2710T>C, p.Trp904Arg (NM_001347828.2); c.2635T>C, p.Trp879Arg (NM_001347829.2); c.2674T>C, p.Trp892Arg (NM_001347830.2); short protein forms W879R, W892R, W904R.
Identifiers: ClinVar variation 1722164 (VCV001722164.6), dbSNP rs2475555008, ClinGen allele CA356895294.

ClinVar aggregate classification (germline): Uncertain significance (1 of 4 stars; one submission).

Conditions:
Gastrointestinal stromal tumor. Also called: Gastrointestinal stroma tumor; Gastrointestinal stromal tumor, somatic. Identifiers: Orphanet 44890, MedGen C0238198, MeSH D046152, MONDO:0011719, OMIM 606764, HP:0100723.

Submission:

Labcorp Genetics (formerly Invitae), Labcorp
Classification: Uncertain significance for Gastrointestinal stromal tumor. Last evaluated: 2023-10-22. Review status: criteria provided, single submitter. Criteria: Invitae Variant Classification Sherloc (09022015). Collection method: clinical testing. Allele origin: germline.
Comment: This sequence change replaces tryptophan, which is neutral and slightly polar, with arginine, which is basic and polar, at codon 879 of the PDGFRA protein (p.Trp879Arg). This variant is not present in population databases (gnomAD no frequency). This variant has not been reported in the literature in individuals affected with PDGFRA-related conditions. ClinVar contains an entry for this variant (Variation ID: 1722164). Advanced modeling of protein sequence and biophysical properties (such as structural, functional, and spatial information, amino acid conservation, physicochemical variation, residue mobility, and thermodynamic stability) has been performed at Invitae for this missense variant, however the output from this modeling did not meet the statistical confidence thresholds required to predict the impact of this variant on PDGFRA protein function. In summary, the available evidence is currently insufficient to determine the role of this variant in disease. Therefore, it has been classified as a Variant of Uncertain Significance.